The following is an entry in ClinVar:

NM_004168.4(SDHA):c.907G>T (p.Ala303Ser)

Gene: SDHA (succinate dehydrogenase complex flavoprotein subunit A; plus strand). Cytogenetic location: 5p15.33.
Variant type: single nucleotide variant.
Coding change: c.907G>T on transcript NM_004168.4 (MANE Select); coding-DNA position 907, G replaced by T.
Protein change: p.Ala303Ser; replaces alanine 303 with serine.
Molecular consequence: missense variant.
Genome position (GRCh38, 1-based): chr5:233,488, G>T. VCF-style: chr5-233488-G-T. GRCh37 (hg19) VCF-style: chr5-233603-G-T.
Other names: c.763G>T, p.Ala255Ser (NM_001294332.2); c.907G>T, p.Ala303Ser (NM_001330758.2); c.907G>T (NM_004168.3); short protein forms A303S, A255S.
Identifiers: ClinVar variation 1450927 (VCV001450927.13), dbSNP rs2126576840, ClinGen allele CA359012529.

ClinVar aggregate classification (germline): Uncertain significance. Review status: criteria provided, multiple submitters, no conflicts (2 of 4 stars). 4 submissions from 4 submitters: Uncertain significance (4). Last evaluated 2025-08-24.

Conditions:
Mitochondrial complex II deficiency, nuclear type 1. Also called: SUCCINATE CoQ REDUCTASE DEFICIENCY. Identifiers: Orphanet 3208, MedGen C5700310, MONDO:0100294, OMIM 252011.
Neurodegeneration with ataxia and late-onset optic atrophy. Identifiers: MedGen C5543254, MONDO:0031006, OMIM 619259.
Pheochromocytoma/paraganglioma syndrome 5. Also called: Paragangliomas 5; SDHA-Related Hereditary Paraganglioma-Pheochromocytoma Syndrome. Identifiers: Orphanet 29072, MedGen C3279992, MONDO:0013602, OMIM 614165.
Dilated cardiomyopathy 1GG (CMD1GG). Identifiers: Orphanet 154, MedGen C3150898, MONDO:0013339, OMIM 613642.
Hereditary cancer-predisposing syndrome. Also called: Neoplastic Syndromes, Hereditary; Hereditary Cancer Syndrome; Hereditary neoplastic syndrome; Tumor predisposition. Identifiers: Orphanet 140162, MedGen C0027672, MeSH D009386, MONDO:0015356.

Submissions (4):

Labcorp Genetics (formerly Invitae), Labcorp
Classification: Uncertain significance for Pheochromocytoma/paraganglioma syndrome 5; Mitochondrial complex II deficiency, nuclear type 1. Last evaluated: 2025-08-24. Review status: criteria provided, single submitter. Criteria: Invitae Variant Classification Sherloc (09022015). Collection method: clinical testing. Allele origin: germline.
Comment: This sequence change replaces alanine, which is neutral and non-polar, with serine, which is neutral and polar, at codon 303 of the SDHA protein (p.Ala303Ser). This variant is not present in population databases (gnomAD no frequency). This variant has not been reported in the literature in individuals affected with SDHA-related conditions. ClinVar contains an entry for this variant (Variation ID: 1450927). Invitae Evidence Modeling of protein sequence and biophysical properties (such as structural, functional, and spatial information, amino acid conservation, physicochemical variation, residue mobility, and thermodynamic stability) indicates that this missense variant is not expected to disrupt SDHA protein function with a negative predictive value of 95%. In summary, the available evidence is currently insufficient to determine the role of this variant in disease. Therefore, it has been classified as a Variant of Uncertain Significance.

Quest Diagnostics Nichols Institute San Juan Capistrano
Classification: Uncertain significance. Last evaluated: 2025-07-17. Review status: criteria provided, single submitter. Criteria: Quest Diagnostics criteria. Collection method: clinical testing. Allele origin: unknown.
Comment: The SDHA c.907G>T (p.Ala303Ser) variant has not been reported in individuals with SDHA-related conditions in the published literature. It also has not been reported in large, multi-ethnic general populations (Genome Aggregation Database). Analysis of this variant using bioinformatics tools for the prediction of the effect of amino acid changes on protein structure and function yielded predictions that this variant is benign. Based on the available information, we are unable to determine the clinical significance of this variant.

Fulgent Genetics
Classification: Uncertain significance for Mitochondrial complex II deficiency, nuclear type 1; Dilated cardiomyopathy 1GG; Pheochromocytoma/paraganglioma syndrome 5; Neurodegeneration with ataxia and late-onset optic atrophy. Last evaluated: 2024-01-10. Review status: criteria provided, single submitter. Criteria: ACMG Guidelines, 2015. Collection method: clinical testing. Allele origin: germline.

Ambry Genetics
Classification: Uncertain significance for Hereditary cancer-predisposing syndrome. Last evaluated: 2023-09-14. Review status: criteria provided, single submitter. Criteria: Ambry Variant Classification Scheme 2023. Collection method: clinical testing. Allele origin: germline.
Comment: The p.A303S variant (also known as c.907G>T), located in coding exon 8 of the SDHA gene, results from a G to T substitution at nucleotide position 907. The alanine at codon 303 is replaced by serine, an amino acid with similar properties. This amino acid position is highly conserved in available vertebrate species. In addition, the in silico prediction for this alteration is inconclusive. Since supporting evidence is limited at this time, the clinical significance of this alteration remains unclear.